The following is an entry in ClinVar:

ClinVar aggregate classification (germline): Likely pathogenic (1 of 4 stars; one submission).

Conditions:
Werner syndrome (WRN). Identifiers: Orphanet 902, MedGen C0043119, MONDO:0010196, OMIM 277700.

Submission:

Labcorp Genetics (formerly Invitae), Labcorp
Classification: Likely pathogenic for Werner syndrome. Last evaluated: 2023-04-04. Review status: criteria provided, single submitter. Criteria: Invitae Variant Classification Sherloc (09022015). Collection method: clinical testing. Allele origin: germline.
Comment: This sequence change affects a donor splice site in intron 19 of the WRN gene. It is expected to disrupt RNA splicing. Variants that disrupt the donor or acceptor splice site typically lead to a loss of protein function (PMID: 16199547), and loss-of-function variants in WRN are known to be pathogenic (PMID: 16673358). This variant is not present in population databases (gnomAD no frequency). This variant has not been reported in the literature in individuals affected with WRN-related conditions. Algorithms developed to predict the effect of sequence changes on RNA splicing suggest that this variant may disrupt the consensus splice site. In summary, the currently available evidence indicates that the variant is pathogenic, but additional data are needed to prove that conclusively. Therefore, this variant has been classified as Likely Pathogenic.

Literature cited by the submitters: PubMed 16199547; PubMed 16673358.

NM_000553.6(WRN):c.2273+2T>C

Gene: WRN (WRN RecQ like helicase; plus strand). Cytogenetic location: 8p12.
Variant type: single nucleotide variant.
Coding change: c.2273+2T>C on transcript NM_000553.6 (MANE Select); the canonical splice donor site of the intron after coding-DNA position 2273, T replaced by C.
Molecular consequence: splice donor variant.
Genome position (GRCh38, 1-based): chr8:31,111,801, T>C. VCF-style: chr8-31111801-T-C. GRCh37 (hg19) VCF-style: chr8-30969317-T-C.
Identifiers: ClinVar variation 2851941 (VCV002851941.3), dbSNP rs2535969504, ClinGen allele CA370912946.